The following is an entry in ClinVar:

NM_025114.4(CEP290):c.5659C>T (p.Gln1887Ter)

Gene: CEP290 (centrosomal protein 290; minus strand). Cytogenetic location: 12q21.32.
Variant type: single nucleotide variant.
Coding change: c.5659C>T on transcript NM_025114.4 (MANE Select); coding-DNA position 5659, C replaced by T.
Protein change: p.Gln1887Ter; replaces glutamine 1887 with a stop codon.
Molecular consequence: nonsense.
Genome position (GRCh38, 1-based): chr12:88,077,272, G>A on the plus strand (C>T on the coding strand, the complement: CEP290 is on the minus strand). VCF-style: chr12-88077272-G-A. GRCh37 (hg19) VCF-style: chr12-88471049-G-A.
Other names: c.5659C>T (NM_025114.3); short protein forms Q1887*.
Identifiers: ClinVar variation 3575389 (VCV003575389.5).

ClinVar aggregate classification (germline): Pathogenic/Likely pathogenic. Review status: criteria provided, multiple submitters, no conflicts (2 of 4 stars). 4 submissions from 4 submitters: Pathogenic (2); Likely pathogenic (2). Last evaluated 2025-11-25.

Conditions:
Joubert syndrome. Also called: Familial aplasia of the vermis; JOUBERT-BOLTSHAUSER SYNDROME. Identifiers: Orphanet 475, MedGen C5979921, MONDO:0018772.
Nephronophthisis. Also called: Juvenile Nephronophthisis. Identifiers: Orphanet 655, MedGen C0687120, MONDO:0019005, HP:0000090.
Meckel-Gruber syndrome. Also called: DYSENCEPHALIA SPLANCHNOCYSTICA; GRUBER SYNDROME; Dysencephalia splachnocystica. Identifiers: Orphanet 564, MedGen C0265215, MONDO:0018921.
Joubert syndrome 5 (JBTS5). Identifiers: Orphanet 2318, MedGen C1857780, MONDO:0012432, OMIM 610188.
Senior-Loken syndrome 6 (SLSN6). Identifiers: Orphanet 3156, MedGen C1857779, MONDO:0012433, OMIM 610189.
Bardet-Biedl syndrome 14 (BBS14). Identifiers: Orphanet 110, MedGen C2673874, MONDO:0014442, OMIM 615991.
Meckel syndrome, type 4 (MKS4). Also called: MECKEL-GRUBER SYNDROME, TYPE 4. Identifiers: Orphanet 564, MedGen C1970161, MONDO:0012626, OMIM 611134.
Leber congenital amaurosis 10 (LCA10). Identifiers: Orphanet 65, MedGen C1857821, MONDO:0012723, OMIM 611755.
Leber congenital amaurosis (LCA). Also called: Leber's amaurosis. Identifiers: Orphanet 65, MedGen C0339527, MeSH D057130, MONDO:0018998.
CEP290-related ciliopathy. Also called: CEP290 ciliopathy. Identifiers: MedGen CN305601, MONDO:0100451.

gnomAD v4.1: 1 of 1,603,406 alleles (0.000062%); highest among the groups gnomAD compares: African/African-American, 0.0013%; no homozygotes.

Submissions (4):

Myriad Genetics, Inc.
Classification: Pathogenic for CEP290-related ciliopathy. Last evaluated: 2025-11-25. Review status: criteria provided, single submitter. Criteria: Myriad Autosomal Dominant, Autosomal Recessive and X-Linked Classification Criteria (2023). Collection method: clinical testing. Allele origin: unknown.
Comment: NM_025114.3(CEP290):c.5659C>T(Q1887*) is expected to be pathogenic in the context of CEP290-related disorders. This variant is predicted to lead to an abnormal or absent protein product due to the creation of a premature termination codon in CEP290, a gene where loss-of-function variants are known to be pathogenic. Please note: this variant was assessed in the context of healthy population screening.

Natera, Inc.
Classification: Likely pathogenic for Leber congenital amaurosis. Last evaluated: 2025-10-15. Review status: criteria provided, single submitter. Criteria: Natera Variant Classification Schema (03/2026). Collection method: clinical testing. Allele origin: germline.
Comment: The c.5659C>T variant in CEP290 is a nonsense variant predicted to introduce a stop codon at amino acid 1887. This variant is expected to result in nonsense mediated decay, truncation, or a dysfunctional protein product. This variant is rare in the general population with a frequency below the threshold expected for the associated phenotype(s). Given the available evidence, this variant is classified as Likely Pathogenic.

Fulgent Genetics
Classification: Likely pathogenic for Joubert syndrome 5; Senior-Loken syndrome 6; Meckel syndrome, type 4; Leber congenital amaurosis 10; Bardet-Biedl syndrome 14. Last evaluated: 2024-04-08. Review status: criteria provided, single submitter. Criteria: ACMG Guidelines, 2015. Collection method: clinical testing. Allele origin: germline.

Labcorp Genetics (formerly Invitae), Labcorp
Classification: Pathogenic for Joubert syndrome; Meckel-Gruber syndrome; Nephronophthisis. Last evaluated: 2024-02-16. Review status: criteria provided, single submitter. Criteria: Invitae Variant Classification Sherloc (09022015). Collection method: clinical testing. Allele origin: germline.
Comment: This sequence change creates a premature translational stop signal (p.Gln1887*) in the CEP290 gene. It is expected to result in an absent or disrupted protein product. Loss-of-function variants in CEP290 are known to be pathogenic (PMID: 16909394, 17345604, 20690115). This variant is not present in population databases (gnomAD no frequency). This variant has not been reported in the literature in individuals affected with CEP290-related conditions. For these reasons, this variant has been classified as Pathogenic.

Literature cited by the submitters: PubMed 16909394 (cited by Labcorp Genetics (formerly Invitae), Labcorp); PubMed 17345604 (cited by Labcorp Genetics (formerly Invitae), Labcorp); PubMed 20690115 (cited by Labcorp Genetics (formerly Invitae), Labcorp).